The following is an entry in ClinVar:

NM_003238.6(TGFB2):c.933-6T>C

Gene: TGFB2 (transforming growth factor beta 2; plus strand). Cytogenetic location: 1q41.
Variant type: single nucleotide variant.
Coding change: c.933-6T>C on transcript NM_003238.6 (MANE Select); 6 bases into the intron before coding-DNA position 933, T replaced by C.
Molecular consequence: intron variant.
Genome position (GRCh38, 1-based): chr1:218,437,337, T>C. VCF-style: chr1-218437337-T-C. GRCh37 (hg19) VCF-style: chr1-218610679-T-C.
Other names: c.1017-6T>C (NM_001135599.4).
Identifiers: ClinVar variation 3455805 (VCV003455805.3).
Genomic context (GRCh38, chr1:218,437,337, plus strand): 5'-GTGGTAGAGTGAGGGTGGTGAATCAGCTTTAAAATCTCCATTGCTTTTTTTTTTTTTTTT[T>C]AACAGAAATGTGCAGGATAATTGCTGCCTACGTCCACTTTACATTGATTTCAAGAGGGAT-3'

ClinVar aggregate classification (germline): Conflicting classifications of pathogenicity. Review status: criteria provided, conflicting classifications (1 of 4 stars). 2 submissions from 2 submitters: Uncertain significance (1); Likely benign (1). Last evaluated 2024-11-22.

Conditions:
Familial thoracic aortic aneurysm and aortic dissection (TAAD). Also called: Thoracic aortic aneurysms and dissections. Identifiers: Orphanet 91387, MedGen C4707243, MONDO:0019625.
Loeys-Dietz syndrome 4 (LDS4). Also called: ANEURYSM, AORTIC AND CEREBRAL, WITH ARTERIAL TORTUOSITY AND SKELETAL MANIFESTATIONS; TGFB2-Related Loeys-Dietz Syndrome. Identifiers: MedGen C3553762, MONDO:0013897, OMIM 614816.

gnomAD v4.1: 6 of 1,515,184 alleles (0.0004%); highest among the groups gnomAD compares: African/African-American, 0.0073%; no homozygotes.

Submissions (2):

Ambry Genetics
Classification: Uncertain significance for Familial thoracic aortic aneurysm and aortic dissection. Last evaluated: 2024-11-22. Review status: criteria provided, single submitter. Criteria: Ambry Variant Classification Scheme 2023. Collection method: clinical testing. Allele origin: germline.
Comment: The c.933-6T>C intronic alteration consists of a T to C substitution 6 nucleotides before exon 6 of the TGFB2 gene. Based on data from gnomAD, the C allele has an overall frequency of 0.003% (1/29942) total alleles studied. The highest observed frequency was 0.012% (1/8326) of African alleles. This nucleotide position is not well conserved in available vertebrate species. In silico splice site analysis predicts that this alteration will not have any significant effect on splicing. Based on insufficient or conflicting evidence, the clinical significance of this alteration remains unclear.

Labcorp Genetics (formerly Invitae), Labcorp
Classification: Likely benign for Loeys-Dietz syndrome 4. Last evaluated: 2024-08-22. Review status: criteria provided, single submitter. Criteria: Invitae Variant Classification Sherloc (09022015). Collection method: clinical testing. Allele origin: germline.